The following is an entry in ClinVar:

NM_003906.5(MCM3AP):c.2225C>T (p.Pro742Leu)

Gene: MCM3AP (minichromosome maintenance complex component 3 associated protein; minus strand). Cytogenetic location: 21q22.3.
Variant type: single nucleotide variant.
Coding change: c.2225C>T on transcript NM_003906.5 (MANE Select); coding-DNA position 2225, C replaced by T.
Protein change: p.Pro742Leu; replaces proline 742 with leucine.
Molecular consequence: missense variant.
Genome position (GRCh38, 1-based): chr21:46,272,801, G>A on the plus strand (C>T on the coding strand, the complement: MCM3AP is on the minus strand). VCF-style: chr21-46272801-G-A. GRCh37 (hg19) VCF-style: chr21-47692715-G-A.
Other names: short protein forms P742L.
Identifiers: ClinVar variation 1925625 (VCV001925625.3), dbSNP rs755968609, ClinGen allele CA10076849.

ClinVar aggregate classification (germline): Uncertain significance (1 of 4 stars; one submission).

gnomAD v4.1: 11 of 1,604,606 alleles (0.00069%); highest among the groups gnomAD compares: Non-Finnish European, 0.00094%; no homozygotes.

Submission:

Labcorp Genetics (formerly Invitae), Labcorp
Classification: Uncertain significance. Last evaluated: 2022-06-07. Review status: criteria provided, single submitter. Criteria: Invitae Variant Classification Sherloc (09022015). Collection method: clinical testing. Allele origin: germline.
Comment: In summary, the available evidence is currently insufficient to determine the role of this variant in disease. Therefore, it has been classified as a Variant of Uncertain Significance. Algorithms developed to predict the effect of missense changes on protein structure and function are either unavailable or do not agree on the potential impact of this missense change (SIFT: "Tolerated"; PolyPhen-2: "Probably Damaging"; Align-GVGD: "Class C0"). This variant has not been reported in the literature in individuals affected with MCM3AP-related conditions. This variant is present in population databases (rs755968609, gnomAD 0.004%). This sequence change replaces proline, which is neutral and non-polar, with leucine, which is neutral and non-polar, at codon 742 of the MCM3AP protein (p.Pro742Leu).